The following is an entry in ClinVar:

NM_001148.6(ANK2):c.4982A>G (p.Lys1661Arg)

Gene: ANK2 (ankyrin 2; plus strand). Cytogenetic location: 4q26.
Variant type: single nucleotide variant.
Coding change: c.4982A>G on transcript NM_001148.6 (MANE Select); coding-DNA position 4982, A replaced by G.
Protein change: p.Lys1661Arg; replaces lysine 1661 with arginine.
Molecular consequence: missense variant. On other transcripts: intron variant (68).
Genome position (GRCh38, 1-based): chr4:113,353,600, A>G. VCF-style: chr4-113353600-A-G. GRCh37 (hg19) VCF-style: chr4-114274756-A-G.
Other names: c.4748A>G, p.Lys1583Arg (NM_001386142.1); c.1382A>G, p.Lys461Arg (NM_001386166.1); c.5123A>G, p.Lys1708Arg (NM_001386174.1); c.5099A>G, p.Lys1700Arg (NM_001386175.1); c.4411+3351A>G (NM_001386186.2, NM_001386148.2); c.4213+3351A>G (NM_001354269.3); c.4291+3351A>G (NM_001386187.2); c.4252+3351A>G (NM_001386147.1); and 35 more; short protein forms K1661R, K1583R, K1700R, K1708R, K461R.
Identifiers: ClinVar variation 393274 (VCV000393274.16), dbSNP rs761759361, ClinGen allele CA3051161.
Genomic context (GRCh38, chr4:113,353,600, plus strand): 5'-CTGATGATCTGAATACCTGTGTGCCTCTTCCCAAAGAGCAGCTGCAGACAGTTCAAGATA[A>G]GGCAGGGAAGAAATGTGAGGCTCTGGCTGTTGGCAGGAGCTCTGAAAAGGAAGGGAAAGA-3'
Protein context (NP_001139.3, residues 1651-1671): PKEQLQTVQD[Lys1661Arg]AGKKCEALAV

ClinVar aggregate classification (germline): Uncertain significance. Review status: criteria provided, multiple submitters, no conflicts (2 of 4 stars). 5 submissions from 5 submitters: Uncertain significance (5). Last evaluated 2025-10-06.

Conditions:
Cardiac arrhythmia, ankyrin-B-related. Also called: ANKYRIN-B SYNDROME. Identifiers: Orphanet 101016, Orphanet 768, MedGen C1970119, MONDO:0010958, OMIM 600919.
Cardiovascular phenotype. Identifiers: MedGen CN230736.
Long QT syndrome (LQTS). Identifiers: MedGen C0023976, MeSH D008133, MONDO:0002442. Disease mechanism: loss of function. Inheritance: Various modes of inheritance.

Allele frequency attached by ClinVar (database versions not stated): ExAC 0.00001; gnomAD exomes 0.00001 and 0.00002; TOPMed 0.00005; gnomAD 0.00006.
gnomAD v4.1: 43 of 1,613,976 alleles (0.0027%); highest among the groups gnomAD compares: Non-Finnish European, 0.0034%; no homozygotes.

Submissions (5):

Labcorp Genetics (formerly Invitae), Labcorp
Classification: Uncertain significance for Long QT syndrome. Last evaluated: 2025-10-06. Review status: criteria provided, single submitter. Criteria: Invitae Variant Classification Sherloc (09022015). Collection method: clinical testing. Allele origin: germline.
Comment: This sequence change replaces lysine, which is basic and polar, with arginine, which is basic and polar, at codon 1661 of the ANK2 protein (p.Lys1661Arg). This variant is present in population databases (rs761759361, gnomAD 0.004%). This variant has not been reported in the literature in individuals affected with ANK2-related conditions. ClinVar contains an entry for this variant (Variation ID: 393274). An algorithm developed to predict the effect of missense changes on protein structure and function (PolyPhen-2) suggests that this variant is likely to be tolerated. In summary, the available evidence is currently insufficient to determine the role of this variant in disease. Therefore, it has been classified as a Variant of Uncertain Significance.

GeneDx
Classification: Uncertain significance. Last evaluated: 2023-01-31. Review status: criteria provided, single submitter. Criteria: GeneDx Variant Classification Process June 2021. Collection method: clinical testing. Allele origin: germline. Affected: yes.
Comment: Has not been previously published as pathogenic or benign to our knowledge; Not observed at significant frequency in large population cohorts (gnomAD); Located in exon 38, which is reported as being expressed in a brain-specific transcript (Otto et al, 1991; Cunha et al, 2008; Wu et al, 2015); In silico analysis supports that this missense variant does not alter protein structure/function

Ambry Genetics
Classification: Uncertain significance for Cardiovascular phenotype. Last evaluated: 2023-01-20. Review status: criteria provided, single submitter. Criteria: Ambry Variant Classification Scheme 2023. Collection method: clinical testing. Allele origin: germline.

Revvity Omics, Revvity
Classification: Uncertain significance. Last evaluated: 2021-04-19. Review status: criteria provided, single submitter. Criteria: ACMG Guidelines, 2015. Collection method: clinical testing. Allele origin: germline.

Illumina Laboratory Services, Illumina
Classification: Uncertain significance for Cardiac arrhythmia, ankyrin-B-related. Last evaluated: 2018-01-13. Review status: criteria provided, single submitter. Criteria: ICSL Variant Classification Criteria 13 December 2019. Collection method: clinical testing. Allele origin: germline.